The following is an entry in ClinVar:

ClinVar aggregate classification (germline): Likely pathogenic (1 of 4 stars; one submission).

Conditions:
Hermansky-Pudlak syndrome 11 (HPS11). Identifiers: MedGen C5436936, MONDO:0030903, OMIM 619172.

Submission:

MVZ Medizinische Genetik Mainz
Classification: Likely pathogenic for Hermansky-Pudlak syndrome 11. Last evaluated: 2022-04-28. Review status: criteria provided, single submitter. Criteria: UK Practice Guidelines For Variant Classification V4 01 2020. Collection method: clinical testing. Allele origin: germline. Inheritance: Autosomal recessive inheritance. Affected: yes. Observed: 1 variant allele.
Comment: ACMG Criteria: PVS1_STR, PM2_SUP, PM3_SUP, PP4

NM_201280.3(BLOC1S5):c.154del (p.Val52fs)

Genes: BLOC1S5 (biogenesis of lysosomal organelles complex 1 subunit 5; minus strand), BLOC1S5-TXNDC5 (BLOC1S5-TXNDC5 readthrough (NMD candidate); minus strand), EEF1E1-BLOC1S5 (EEF1E1-BLOC1S5 readthrough (NMD candidate); minus strand). Cytogenetic location: 6p24.3.
Variant type: Deletion.
Coding change: c.154del on transcript NM_201280.3 (MANE Select); coding-DNA position 154, one base deleted (G; older notation c.154delG).
Protein change: p.Val52fs; shifts the reading frame from valine 52.
Molecular consequence: frameshift variant. On other transcripts: non-coding transcript variant (2), 5 prime UTR variant (1).
Genome position (GRCh38, 1-based): chr6:8,062,575, C deleted on the plus strand (G on the coding strand, the reverse complement: BLOC1S5 is on the minus strand). VCF-style (leftmost placement, unchanged base first): chr6-8062574-AC-A. GRCh37 (hg19) VCF-style: chr6-8062807-AC-A.
Other names: c.-142del (NM_001199322.1); c.154del, p.Val52fs (NM_001199323.1); short protein forms V52fs.
Identifiers: ClinVar variation 3236053 (VCV003236053.1), dbSNP rs2480776581, ClinGen allele CA2825001496.